The following is an entry in ClinVar:

NM_015046.7(SETX):c.2911G>C (p.Ala971Pro)

Gene: SETX (senataxin; minus strand). Cytogenetic location: 9q34.13.
Variant type: single nucleotide variant.
Coding change: c.2911G>C on transcript NM_015046.7 (MANE Select); coding-DNA position 2911, G replaced by C.
Protein change: p.Ala971Pro; replaces alanine 971 with proline.
Molecular consequence: missense variant.
Genome position (GRCh38, 1-based): chr9:132,328,687, C>G on the plus strand (G>C on the coding strand, the complement: SETX is on the minus strand). VCF-style: chr9-132328687-C-G. GRCh37 (hg19) VCF-style: chr9-135204074-C-G.
Other names: c.2911G>C, p.Ala971Pro (NM_001351527.2, NM_001351528.2); short protein forms A971P.
Identifiers: ClinVar variation 3731249 (VCV003731249.1).

ClinVar aggregate classification (germline): Uncertain significance (1 of 4 stars; one submission).

gnomAD v4.1: 1 of 1,613,774 alleles (0.000062%); highest among the groups gnomAD compares: Non-Finnish European, 0.000085%; no homozygotes.

Submission:

GeneDx
Classification: Uncertain significance. Last evaluated: 2024-08-16. Review status: criteria provided, single submitter. Criteria: GeneDx Variant Classification Process June 2021. Collection method: clinical testing. Allele origin: germline. Affected: yes.
Comment: Not observed at significant frequency in large population cohorts (gnomAD); In silico analysis indicates that this missense variant does not alter protein structure/function; Has not been previously published as pathogenic or benign to our knowledge